The following is an entry in ClinVar:

NM_006939.4(SOS2):c.3358C>T (p.Pro1120Ser)

Gene: SOS2 (SOS Ras/Rho guanine nucleotide exchange factor 2; minus strand). Cytogenetic location: 14q21.3.
Variant type: single nucleotide variant.
Coding change: c.3358C>T on transcript NM_006939.4 (MANE Select); coding-DNA position 3358, C replaced by T.
Protein change: p.Pro1120Ser; replaces proline 1120 with serine.
Molecular consequence: missense variant.
Genome position (GRCh38, 1-based): chr14:50,129,982, G>A on the plus strand (C>T on the coding strand, the complement: SOS2 is on the minus strand). VCF-style: chr14-50129982-G-A. GRCh37 (hg19) VCF-style: chr14-50596700-G-A.
Other names: c.3259C>T, p.Pro1087Ser (NM_001411020.1); c.3358C>T (NM_006939.2); short protein forms P1087S, P1120S.
Identifiers: ClinVar variation 2037050 (VCV002037050.5), dbSNP rs1594958380, ClinGen allele CA389640265.
Genomic context (GRCh38, chr14:50,129,982, plus strand): 5'-ACAGTCATTTCATTAAGAATCAACTTAAATTATACTTACTTGAATGTGGCAAAAGCACTG[G>A]AGCAAAGATGCTATTGCTGCCTATTGGAATAAGAAAAATTAATTTGAAAAGGAAGGTAAC-3'
Protein context (NP_008870.2, residues 1110-1130): SSCGSNSIFA[Pro1120Ser]VLLPHSKSFF

ClinVar aggregate classification (germline): Uncertain significance. Review status: criteria provided, multiple submitters, no conflicts (2 of 4 stars). 2 submissions from 2 submitters: Uncertain significance (2). Last evaluated 2024-09-25.

Conditions:
Cardiovascular phenotype. Identifiers: MedGen CN230736.
Noonan syndrome 9 (NS9). Identifiers: Orphanet 648, MedGen C4225282, MONDO:0014691, OMIM 616559.

Allele frequency attached by ClinVar (database versions not stated): gnomAD exomes below 0.00001.
gnomAD v4.1: 6 of 1,593,698 alleles (0.00038%); highest among the groups gnomAD compares: Non-Finnish European, 0.00052%; no homozygotes.

Submissions (2):

Ambry Genetics
Classification: Uncertain significance for Cardiovascular phenotype. Last evaluated: 2024-09-25. Review status: criteria provided, single submitter. Criteria: Ambry Variant Classification Scheme 2023. Collection method: clinical testing. Allele origin: germline.
Comment: The p.P1120S variant (also known as c.3358C>T), located in coding exon 21 of the SOS2 gene, results from a C to T substitution at nucleotide position 3358. The proline at codon 1120 is replaced by serine, an amino acid with similar properties. This amino acid position is conserved. In addition, the in silico prediction for this alteration is inconclusive. Based on the available evidence, the clinical significance of this variant remains unclear.

Labcorp Genetics (formerly Invitae), Labcorp
Classification: Uncertain significance for Noonan syndrome 9. Last evaluated: 2023-12-01. Review status: criteria provided, single submitter. Criteria: Invitae Variant Classification Sherloc (09022015). Collection method: clinical testing. Allele origin: germline.
Comment: This sequence change replaces proline, which is neutral and non-polar, with serine, which is neutral and polar, at codon 1120 of the SOS2 protein (p.Pro1120Ser). This variant is not present in population databases (gnomAD no frequency). This variant has not been reported in the literature in individuals affected with SOS2-related conditions. ClinVar contains an entry for this variant (Variation ID: 2037050). Advanced modeling of protein sequence and biophysical properties (such as structural, functional, and spatial information, amino acid conservation, physicochemical variation, residue mobility, and thermodynamic stability) performed at Invitae indicates that this missense variant is not expected to disrupt SOS2 protein function with a negative predictive value of 95%. In summary, the available evidence is currently insufficient to determine the role of this variant in disease. Therefore, it has been classified as a Variant of Uncertain Significance.